The following is an entry in ClinVar:

ClinVar aggregate classification (germline): Conflicting classifications of pathogenicity. Review status: criteria provided, conflicting classifications (1 of 4 stars). 12 submissions from 12 submitters: Uncertain significance (7); Likely benign (3). 2 of the submissions do not count toward it. Last evaluated 2026-05-17.

Conditions:
Familial hypokalemia-hypomagnesemia (GTLMNS). Also called: gitelman syndrome; HYPOMAGNESEMIA-HYPOKALEMIA, PRIMARY RENOTUBULAR, WITH HYPOCALCIURIA; POTASSIUM AND MAGNESIUM DEPLETION. Identifiers: Orphanet 358, MedGen C0268450, MONDO:0009904, OMIM 263800.
SLC12A3-related disorder. Also called: SLC12A3-related condition.
Inborn genetic diseases. Identifiers: MedGen C0950123, MeSH D030342.

Allele frequency attached by ClinVar (database versions not stated): 1000 Genomes Project 30x 0.00047; gnomAD 0.00048; 1000 Genomes Project 0.00060; TOPMed 0.00065; ESP Exome Variant Server 0.00100.
gnomAD v4.1: 1,510 of 1,613,802 alleles (0.094%); highest among the groups gnomAD compares: Middle Eastern, 0.18%; 2 homozygotes.

Submissions (12):

PreventionGenetics, part of Exact Sciences
Classification: Uncertain significance for SLC12A3-related condition. Last evaluated: 2026-05-17. Review status: criteria provided, single submitter. Criteria: ACMG Guidelines, 2015. Collection method: clinical testing. Allele origin: germline.
Comment: The SLC12A3 c.37G>C variant is predicted to result in the amino acid substitution p.Ala13Pro. This variant has been reported in at least two individuals with Gitelman syndrome, however segregation information was not provided, and in one case it is unknown if a second variant was identified (Tseng et al. 2012. PubMed ID: 22679066; Hureaux et al. 2019. PubMed ID: 31672324). This variant is reported in 0.11% of alleles in individuals of European (Non-Finnish) descent in gnomAD. Although we suspect that this variant may be benign, at this time, the clinical significance of this variant is uncertain due to the absence of conclusive functional and genetic evidence.

Labcorp Genetics (formerly Invitae), Labcorp
Classification: Likely benign. Last evaluated: 2026-01-15. Review status: criteria provided, single submitter. Criteria: Invitae Variant Classification Sherloc (09022015). Collection method: clinical testing. Allele origin: germline.

Nephrology, University of Crete, University General Hospital of Heraklion
Classification: Uncertain significance for Familial hypokalemia-hypomagnesemia. Last evaluated: 2025-11-05. Review status: criteria provided, single submitter. Criteria: ACMG Guidelines, 2015. Collection method: clinical testing. Allele origin: unknown. Affected: yes.

Blueprint Genetics
Classification: Likely benign. Last evaluated: 2024-11-25. Review status: criteria provided, single submitter. Criteria: ACMG Guidelines, 2015. Collection method: clinical testing. Allele origin: germline.

GeneDx
Classification: Uncertain significance. Last evaluated: 2023-10-11. Review status: criteria provided, single submitter. Criteria: GeneDx Variant Classification Process June 2021. Collection method: clinical testing. Allele origin: germline. Affected: yes.
Comment: Reported in association with Gitelman syndrome in the published literature; however, additional clinical information and segregation information were not provided and it is unknown if a second variant was identified (PMID: 22679066); Reported along with a second variant in the SLC12A3 gene in a patient with Gitelman syndrome in the published literature; however, segregation information was not provided (PMID: 31672324); In silico analysis supports that this missense variant does not alter protein structure/function; This variant is associated with the following publications: (PMID: 28469853, 21415153, 34426522, 31589614, 31672324, 22679066)

Mayo Clinic Laboratories, Mayo Clinic
Classification: Uncertain significance. Last evaluated: 2023-10-05. Review status: criteria provided, single submitter. Criteria: ACMG Guidelines, 2015. Collection method: clinical testing. Allele origin: germline. Observed: 1 variant allele.
Comment: BP2, BP4

Fulgent Genetics
Classification: Uncertain significance for Familial hypokalemia-hypomagnesemia. Last evaluated: 2022-04-17. Review status: criteria provided, single submitter. Criteria: ACMG Guidelines, 2015. Collection method: clinical testing. Allele origin: unknown.

Ambry Genetics
Classification: Likely benign for Inborn genetic diseases. Last evaluated: 2021-12-30. Review status: criteria provided, single submitter. Criteria: Ambry Variant Classification Scheme 2023. Collection method: clinical testing. Allele origin: germline.

Genome-Nilou Lab
Classification: Uncertain significance for Familial hypokalemia-hypomagnesemia. Last evaluated: 2021-07-15. Review status: criteria provided, single submitter. Criteria: ACMG Guidelines, 2015. Collection method: clinical testing. Allele origin: germline. Affected: no.

Illumina Laboratory Services, Illumina
Classification: Uncertain significance for Familial hypokalemia-hypomagnesemia. Last evaluated: 2017-04-27. Review status: criteria provided, single submitter. Criteria: ICSL Variant Classification Criteria 13 December 2019. Collection method: clinical testing. Allele origin: germline.
Comment: This variant was observed as part of a predisposition screen in an ostensibly healthy population. A literature search was performed for the gene, cDNA change, and amino acid change (where applicable). Publications were found based on this search. However, the evidence from the literature, in combination with allele frequency data from public databases where available, was not sufficient to rule this variant in or out of causing disease. Therefore, this variant is classified as a variant of unknown significance.

Natera, Inc.
Classification: Uncertain significance for Gitelman syndrome. Last evaluated: 2020-01-17. Review status: no assertion criteria provided. Collection method: clinical testing. Allele origin: germline. Not counted in ClinVar's aggregate classification.

Gharavi Laboratory, Columbia University
Classification: Likely pathogenic. Last evaluated: 2018-09-16. Review status: no assertion criteria provided. Criteria: ACMG Guidelines, 2015. Collection method: research. Allele origin: germline. Affected: yes. Not counted in ClinVar's aggregate classification.

Literature cited by the submitters: PubMed 21415153 (cited by Mayo Clinic Laboratories, Mayo Clinic and Illumina Laboratory Services, Illumina); PubMed 22679066 (cited by Mayo Clinic Laboratories, Mayo Clinic); PubMed 31672324 (cited by Mayo Clinic Laboratories, Mayo Clinic); PubMed 34389731 (cited by Mayo Clinic Laboratories, Mayo Clinic).

NM_001126108.2(SLC12A3):c.37G>C (p.Ala13Pro)

Gene: SLC12A3 (solute carrier family 12 member 3; plus strand). Cytogenetic location: 16q13.
Variant type: single nucleotide variant.
Coding change: c.37G>C on transcript NM_001126108.2 (MANE Select); coding-DNA position 37, G replaced by C.
Protein change: p.Ala13Pro; replaces alanine 13 with proline.
Molecular consequence: missense variant.
Genome position (GRCh38, 1-based): chr16:56,865,272, G>C. VCF-style: chr16-56865272-G-C. GRCh37 (hg19) VCF-style: chr16-56899184-G-C.
Other names: p.Ala13Pro; c.37G>C, p.Ala13Pro (NM_000339.3, NM_001126107.2); short protein forms A13P.
Identifiers: ClinVar variation 562448 (VCV000562448.24), dbSNP rs147200024, ClinGen allele CA8068895.